The following is an entry in ClinVar:

ClinVar aggregate classification (germline): Uncertain significance. Review status: criteria provided, multiple submitters, no conflicts (2 of 4 stars). 2 submissions from 2 submitters: Uncertain significance (2). Last evaluated 2024-12-30.

Conditions:
Hereditary cancer-predisposing syndrome. Also called: Hereditary Cancer Syndrome; Hereditary neoplastic syndrome; Tumor predisposition; Neoplastic Syndromes, Hereditary. Identifiers: Orphanet 140162, MedGen C0027672, MeSH D009386, MONDO:0015356.
Neuroblastoma, susceptibility to, 3. Also called: ALK-Related Neuroblastic Tumor Susceptibility. Identifiers: Orphanet 635, MedGen C2751681, MONDO:0013083, OMIM 613014.

gnomAD v4.1: 1 of 1,614,258 alleles (0.000062%); highest among the groups gnomAD compares: Non-Finnish European, 0.000085%; no homozygotes.

Submissions (2):

Ambry Genetics
Classification: Uncertain significance for Hereditary cancer-predisposing syndrome. Last evaluated: 2024-12-30. Review status: criteria provided, single submitter. Criteria: Ambry Variant Classification Scheme 2023. Collection method: clinical testing. Allele origin: germline.
Comment: The p.N798T variant (also known as c.2393A>C), located in coding exon 14 of the ALK gene, results from an A to C substitution at nucleotide position 2393. The asparagine at codon 798 is replaced by threonine, an amino acid with similar properties. This amino acid position is conserved. In addition, this alteration is predicted to be tolerated by in silico analysis. Since supporting evidence is limited at this time, the clinical significance of this alteration remains unclear.

Labcorp Genetics (formerly Invitae), Labcorp
Classification: Uncertain significance for Neuroblastoma, susceptibility to, 3. Last evaluated: 2024-09-30. Review status: criteria provided, single submitter. Criteria: Invitae Variant Classification Sherloc (09022015). Collection method: clinical testing. Allele origin: germline.
Comment: This sequence change replaces asparagine, which is neutral and polar, with threonine, which is neutral and polar, at codon 798 of the ALK protein (p.Asn798Thr). This variant is not present in population databases (gnomAD no frequency). This variant has not been reported in the literature in individuals affected with ALK-related conditions. ClinVar contains an entry for this variant (Variation ID: 1360166). An algorithm developed to predict the effect of missense changes on protein structure and function (PolyPhen-2) suggests that this variant is likely to be disruptive. In summary, the available evidence is currently insufficient to determine the role of this variant in disease. Therefore, it has been classified as a Variant of Uncertain Significance.

NM_004304.5(ALK):c.2393A>C (p.Asn798Thr)

Gene: ALK (ALK receptor tyrosine kinase; minus strand). Cytogenetic location: 2p23.2.
Variant type: single nucleotide variant.
Coding change: c.2393A>C on transcript NM_004304.5 (MANE Select); coding-DNA position 2393, A replaced by C.
Protein change: p.Asn798Thr; replaces asparagine 798 with threonine.
Molecular consequence: missense variant.
Genome position (GRCh38, 1-based): chr2:29,233,659, T>G on the plus strand (A>C on the coding strand, the complement: ALK is on the minus strand). VCF-style: chr2-29233659-T-G. GRCh37 (hg19) VCF-style: chr2-29456525-T-G.
Other names: short protein forms N798T.
Identifiers: ClinVar variation 1360166 (VCV001360166.11), dbSNP rs2148184587, ClinGen allele CA346472432.